The following is an entry in ClinVar:

NM_004521.3(KIF5B):c.1208C>T (p.Pro403Leu)

Gene: KIF5B (kinesin family member 5B; minus strand). Cytogenetic location: 10p11.22.
Variant type: single nucleotide variant.
Coding change: c.1208C>T on transcript NM_004521.3 (MANE Select); coding-DNA position 1208, C replaced by T.
Protein change: p.Pro403Leu; replaces proline 403 with leucine.
Molecular consequence: missense variant.
Genome position (GRCh38, 1-based): chr10:32,033,942, G>A on the plus strand (C>T on the coding strand, the complement: KIF5B is on the minus strand). VCF-style: chr10-32033942-G-A. GRCh37 (hg19) VCF-style: chr10-32322870-G-A.
Other names: short protein forms P403L.
Identifiers: ClinVar variation 4855899 (VCV004855899.1).
Genomic context (GRCh38, chr10:32,033,942, plus strand): 5'-TCTTCACACTTTCTTCTTTCAGCATCAGTAAAATTTCCTATAACTCCAATTGCGGTTGCT[G>A]GTTTATCATTGGTAAGAGTAATATCTTTATCCACTGTGAAAGCTTCCAAGTTGGCTTTCT-3'
Protein context (NP_004512.1, residues 393-413): DKDITLTNDK[Pro403Leu]ATAIGVIGNF

ClinVar aggregate classification (germline): Uncertain significance (1 of 4 stars; one submission).

Conditions:
KIF5B-related disorder.

Submission:

3billion
Classification: Uncertain significance for KIF5B-related disorder. Last evaluated: 2025-12-13. Review status: criteria provided, single submitter. Criteria: ACMG Guidelines, 2015. Collection method: clinical testing. Allele origin: germline. Affected: yes.
Comment: The variant is not observed in the gnomAD v4.1.0 dataset. Predicted Consequence/Location: Missense variant. Missense changes are a common disease-causing mechanism. Therefore, this variant is classified as VUS according to the recommendation of ACMG/AMP guideline.